The following is an entry in ClinVar:

NM_001105206.3(LAMA4):c.5110C>G (p.Gln1704Glu)

Gene: LAMA4 (laminin subunit alpha 4; minus strand). Cytogenetic location: 6q21.
Variant type: single nucleotide variant.
Coding change: c.5110C>G on transcript NM_001105206.3 (MANE Select); coding-DNA position 5110, C replaced by G.
Protein change: p.Gln1704Glu; replaces glutamine 1704 with glutamic acid.
Molecular consequence: missense variant.
Genome position (GRCh38, 1-based): chr6:112,115,865, G>C on the plus strand (C>G on the coding strand, the complement: LAMA4 is on the minus strand). VCF-style: chr6-112115865-G-C. GRCh37 (hg19) VCF-style: chr6-112437068-G-C.
Other names: c.5089C>G, p.Gln1697Glu (NM_001105207.3, NM_002290.5); short protein forms Q1704E, Q1697E.
Identifiers: ClinVar variation 1745254 (VCV001745254.2), dbSNP rs782245186, ClinGen allele CA365365105.
Genomic context (GRCh38, chr6:112,115,865, plus strand): 5'-TCAGATCTAGAATCCAAGGTCAGATGAGACAAATTGTTAAACATTTTTCAGACACTACCT[G>C]TCCATTTTTCATGTGAACATTTAGGTACTCCCCATTGACACTGTGGCCGTGGACCAGGGT-3'
Protein context (NP_001098676.2, residues 1694-1714): EYLNVHMKNG[Gln1704Glu]VIVKVNNGIR

ClinVar aggregate classification (germline): Uncertain significance (1 of 4 stars; one submission).

Conditions:
Cardiovascular phenotype. Identifiers: MedGen CN230736.

Submission:

Ambry Genetics
Classification: Uncertain significance for Cardiovascular phenotype. Last evaluated: 2022-07-06. Review status: criteria provided, single submitter. Criteria: Ambry Variant Classification Scheme 2023. Collection method: clinical testing. Allele origin: germline.
Comment: The p.Q1697E variant (also known as c.5089C>G), located in coding exon 35 of the LAMA4 gene, results from a C to G substitution at nucleotide position 5089. The glutamine at codon 1697 is replaced by glutamic acid, an amino acid with highly similar properties. This amino acid position is conserved. In addition, the in silico prediction for this alteration is inconclusive. Since supporting evidence is limited at this time, the clinical significance of this alteration remains unclear.